The following is an entry in ClinVar:

NM_001244008.2(KIF1A):c.3320T>C (p.Val1107Ala)

Gene: KIF1A (kinesin family member 1A; minus strand). Cytogenetic location: 2q37.3.
Variant type: single nucleotide variant.
Coding change: c.3320T>C on transcript NM_001244008.2 (MANE Select); coding-DNA position 3320, T replaced by C.
Protein change: p.Val1107Ala; replaces valine 1107 with alanine.
Molecular consequence: missense variant.
Genome position (GRCh38, 1-based): chr2:240,745,792, A>G on the plus strand (T>C on the coding strand, the complement: KIF1A is on the minus strand). VCF-style: chr2-240745792-A-G. GRCh37 (hg19) VCF-style: chr2-241685209-A-G.
Other names: c.3044T>C, p.Val1015Ala (NM_001320705.2, NM_001330289.2, NM_001379638.1); c.3119T>C, p.Val1040Ala (NM_001330290.2, NM_001379634.1, NM_001379635.1 and 1 more transcripts); c.3395T>C, p.Val1132Ala (NM_001379631.1); c.3269T>C, p.Val1090Ala (NM_001379632.1); c.3293T>C, p.Val1098Ala (NM_001379633.1, NM_001379642.1, NM_001379645.1); c.3017T>C, p.Val1006Ala (NM_001379636.1, NM_001379639.1, NM_001379641.1 and 5 more transcripts); c.3092T>C, p.Val1031Ala (NM_001379637.1, NM_001379648.1); c.3014T>C, p.Val1005Ala (NM_001379640.1); short protein forms V1005A, V1006A, V1015A, V1031A, V1040A, V1090A, V1098A, V1107A.
Identifiers: ClinVar variation 1695668 (VCV001695668.7), dbSNP rs2125791301, ClinGen allele CA351317891.

ClinVar aggregate classification (germline): Uncertain significance. Review status: criteria provided, multiple submitters, no conflicts (2 of 4 stars). 2 submissions from 2 submitters: Uncertain significance (2). Last evaluated 2022-01-10.

Conditions:
Hereditary spastic paraplegia 30. Identifiers: Orphanet 101010, MedGen C5235139, MONDO:0012476.
Neuropathy, hereditary sensory, type 2C. Also called: Hereditary sensory and autonomic neuropathy type IIC; KIF1A-Related HSAN2 (HSAN2C). Identifiers: Orphanet 970, MedGen C3280168, MONDO:0013634, OMIM 614213.
Intellectual disability, autosomal dominant 9 (NESCAVS). Also called: NESCAV SYNDROME; KIF1A-Related Neurodevelopmental Disorder. Identifiers: Orphanet 662367, MedGen C5393830, MONDO:0013656, OMIM 614255.

Submissions (2):

GeneDx
Classification: Uncertain significance. Last evaluated: 2022-01-10. Review status: criteria provided, single submitter. Criteria: GeneDx Variant Classification Process June 2021. Collection method: clinical testing. Allele origin: germline. Affected: yes.
Comment: Not observed at significant frequency in large population cohorts (gnomAD); In silico analysis supports that this missense variant has a deleterious effect on protein structure/function; Has not been previously published as pathogenic or benign to our knowledge

Labcorp Genetics (formerly Invitae), Labcorp
Classification: Uncertain significance for Hereditary spastic paraplegia 30; Neuropathy, hereditary sensory, type 2C; Intellectual disability, autosomal dominant 9. Last evaluated: 2021-12-21. Review status: criteria provided, single submitter. Criteria: Invitae Variant Classification Sherloc (09022015). Collection method: clinical testing. Allele origin: germline.
Comment: In summary, the available evidence is currently insufficient to determine the role of this variant in disease. Therefore, it has been classified as a Variant of Uncertain Significance. Algorithms developed to predict the effect of missense changes on protein structure and function (SIFT, PolyPhen-2, Align-GVGD) all suggest that this variant is likely to be disruptive. This variant has not been reported in the literature in individuals affected with KIF1A-related conditions. This variant is not present in population databases (gnomAD no frequency). This sequence change replaces valine, which is neutral and non-polar, with alanine, which is neutral and non-polar, at codon 1006 of the KIF1A protein (p.Val1006Ala).